The following is an entry in ClinVar:

NM_004523.4(KIF11):c.1683_1684insTA (p.Val562Ter)

Gene: KIF11 (kinesin family member 11; plus strand). Cytogenetic location: 10q23.33.
Variant type: Insertion.
Coding change: c.1683_1684insTA on transcript NM_004523.4 (MANE Select); coding-DNA positions 1683 to 1684, TA inserted.
Protein change: p.Val562Ter; replaces valine 562 with a stop codon.
Molecular consequence: nonsense.
Genome position: GRCh38 VCF-style: chr10-92632673-A-AAT. GRCh37 (hg19) VCF-style: chr10-94392430-A-AAT.
Other names: short protein forms V562*.
Identifiers: ClinVar variation 4719402 (VCV004719402.1).

ClinVar aggregate classification (germline): Pathogenic (1 of 4 stars; one submission).

Submission:

Labcorp Genetics (formerly Invitae), Labcorp
Classification: Pathogenic. Last evaluated: 2025-05-11. Review status: criteria provided, single submitter. Criteria: Invitae Variant Classification Sherloc (09022015). Collection method: clinical testing. Allele origin: germline.
Comment: This sequence change creates a premature translational stop signal (p.Val562*) in the KIF11 gene. It is expected to result in an absent or disrupted protein product. Loss-of-function variants in KIF11 are known to be pathogenic (PMID: 22284827, 24281367). This variant is not present in population databases (gnomAD no frequency). This variant has not been reported in the literature in individuals affected with KIF11-related conditions. For these reasons, this variant has been classified as Pathogenic.

Literature cited by the submitters: PubMed 22284827; PubMed 24281367.